The following is an entry in ClinVar:

ClinVar aggregate classification (germline): Uncertain significance (1 of 4 stars; one submission).

gnomAD v4.1: 2 of 1,614,004 alleles (0.00012%); highest among the groups gnomAD compares: Non-Finnish European, 0.00017%; no homozygotes.

Submission:

GeneDx
Classification: Uncertain significance. Last evaluated: 2022-12-20. Review status: criteria provided, single submitter. Criteria: GeneDx Variant Classification Process June 2021. Collection method: clinical testing. Allele origin: germline. Affected: yes.
Comment: Not observed at significant frequency in large population cohorts (gnomAD); In silico analysis supports that this missense variant does not alter protein structure/function; Has not been previously published as pathogenic or benign to our knowledge

NM_006031.6(PCNT):c.3086C>G (p.Ser1029Cys)

Gene: PCNT (pericentrin; plus strand). Cytogenetic location: 21q22.3.
Variant type: single nucleotide variant.
Coding change: c.3086C>G on transcript NM_006031.6 (MANE Select); coding-DNA position 3086, C replaced by G.
Protein change: p.Ser1029Cys; replaces serine 1029 with cysteine.
Molecular consequence: missense variant.
Genome position (GRCh38, 1-based): chr21:46,367,060, C>G. VCF-style: chr21-46367060-C-G. GRCh37 (hg19) VCF-style: chr21-47786975-C-G.
Other names: c.2732C>G, p.Ser911Cys (NM_001315529.2); short protein forms S1029C, S911C.
Identifiers: ClinVar variation 2506814 (VCV002506814.1), dbSNP rs2518264208, ClinGen allele CA410570408.
Genomic context (GRCh38, chr21:46,367,060, plus strand): 5'-AAACGATTTTGACTCAAGAGTTGGAGAAACTGAAGCGGAAACACGAAGGGGAGCTACAGT[C>G]TGTGCGGGACCACCTGCGAACCGAAGTGAGCACAGAGCTCGCCGGAACCGTGGCTCACGA-3'
Protein context (NP_006022.3, residues 1019-1039): LKRKHEGELQ[Ser1029Cys]VRDHLRTEVS